The following is an entry in ClinVar:

NM_001291867.2(NHS):c.1740_1748del (p.Arg581_Arg583del)

Gene: NHS (NHS actin remodeling regulator; plus strand). Cytogenetic location: Xp22.13.
Variant type: Deletion.
Coding change: c.1740_1748del on transcript NM_001291867.2 (MANE Select); coding-DNA positions 1740 to 1748, 9 bases deleted (AAGGTCACG; older notation c.1740_1748delAAGGTCACG).
Protein change: p.Arg581_Arg583del.
Genome position (GRCh38, 1-based): chrX:17,725,846-17,725,854, AAGGTCACG deleted; deleting any 9 consecutive bases within chrX:17,725,845-17,725,854 gives the same sequence; the c. name uses the placement nearest the transcript's 3' end. VCF-style (leftmost placement, unchanged base first): chrX-17725844-GGAAGGTCAC-G. GRCh37 (hg19) VCF-style: chrX-17743964-GGAAGGTCAC-G.
Other names: c.1209_1217del, p.Arg404_Arg406del (NM_001136024.4); c.1146_1154del, p.Arg383_Arg385del (NM_001291868.2); c.1677_1685del, p.Arg560_Arg562del (NM_198270.4).
Identifiers: ClinVar variation 3669021 (VCV003669021.2).

ClinVar aggregate classification (germline): Uncertain significance (1 of 4 stars; one submission).

Conditions:
Nance-Horan syndrome (NHS). Identifiers: Orphanet 627, MedGen C0796085, MONDO:0010545, OMIM 302350.

Submission:

Labcorp Genetics (formerly Invitae), Labcorp
Classification: Uncertain significance for Nance-Horan syndrome. Last evaluated: 2024-05-09. Review status: criteria provided, single submitter. Criteria: Invitae Variant Classification Sherloc (09022015). Collection method: clinical testing. Allele origin: germline.
Comment: This variant, c.1677_1685del, results in the deletion of 3 amino acid(s) of the NHS protein (p.Arg560_Arg562del), but otherwise preserves the integrity of the reading frame. This variant is not present in population databases (gnomAD no frequency). This variant has not been reported in the literature in individuals affected with NHS-related conditions. Experimental studies and prediction algorithms are not available or were not evaluated, and the functional significance of this variant is currently unknown. In summary, the available evidence is currently insufficient to determine the role of this variant in disease. Therefore, it has been classified as a Variant of Uncertain Significance.